The following is an entry in ClinVar:

NM_001199138.2(NLRC4):c.2714A>G (p.Glu905Gly)

Gene: NLRC4 (NLR family CARD domain containing 4; minus strand). Cytogenetic location: 2p22.3.
Variant type: single nucleotide variant.
Coding change: c.2714A>G on transcript NM_001199138.2 (MANE Select); coding-DNA position 2714, A replaced by G.
Protein change: p.Glu905Gly; replaces glutamic acid 905 with glycine.
Molecular consequence: missense variant.
Genome position (GRCh38, 1-based): chr2:32,235,469, T>C on the plus strand (A>G on the coding strand, the complement: NLRC4 is on the minus strand). VCF-style: chr2-32235469-T-C. GRCh37 (hg19) VCF-style: chr2-32460538-T-C.
Other names: c.2714A>G, p.Glu905Gly (NM_001199139.2, NM_021209.5); c.719A>G, p.Glu240Gly (NM_001302504.2); short protein forms E240G, E905G.
Identifiers: ClinVar variation 2323440 (VCV002323440.5), dbSNP rs774924596, ClinGen allele CA1601724.

ClinVar aggregate classification (germline): Conflicting classifications of pathogenicity. Review status: criteria provided, conflicting classifications (1 of 4 stars). 2 submissions from 2 submitters: Uncertain significance (1); Likely benign (1). Last evaluated 2025-06-15.

Conditions:
Periodic fever-infantile enterocolitis-autoinflammatory syndrome. Also called: Autoinflammation with infantile enterocolitis. Identifiers: Orphanet 436166, MedGen C4015067, MONDO:0014472, OMIM 616050.
Familial cold autoinflammatory syndrome 4 (FCAS4). Identifiers: Orphanet 47045, Orphanet 576349, MedGen C4015276, MONDO:0014498, OMIM 616115.
Inborn genetic diseases. Identifiers: MedGen C0950123, MeSH D030342.

Allele frequency attached by ClinVar (database versions not stated): ExAC 0.00002; gnomAD exomes 0.00003.
gnomAD v4.1: 42 of 1,614,126 alleles (0.0026%); highest among the groups gnomAD compares: Non-Finnish European, 0.0033%; no homozygotes.

Submissions (2):

Labcorp Genetics (formerly Invitae), Labcorp
Classification: Uncertain significance for Periodic fever-infantile enterocolitis-autoinflammatory syndrome; Familial cold autoinflammatory syndrome 4. Last evaluated: 2025-06-15. Review status: criteria provided, single submitter. Criteria: Invitae Variant Classification Sherloc (09022015). Collection method: clinical testing. Allele origin: germline.
Comment: This sequence change replaces glutamic acid, which is acidic and polar, with glycine, which is neutral and non-polar, at codon 905 of the NLRC4 protein (p.Glu905Gly). This variant is present in population databases (rs774924596, gnomAD 0.0009%). This variant has not been reported in the literature in individuals affected with NLRC4-related conditions. ClinVar contains an entry for this variant (Variation ID: 2323440). Invitae Evidence Modeling of protein sequence and biophysical properties (such as structural, functional, and spatial information, amino acid conservation, physicochemical variation, residue mobility, and thermodynamic stability) indicates that this missense variant is not expected to disrupt NLRC4 protein function with a negative predictive value of 80%. In summary, the available evidence is currently insufficient to determine the role of this variant in disease. Therefore, it has been classified as a Variant of Uncertain Significance.

Ambry Genetics
Classification: Likely benign for Inborn genetic diseases. Last evaluated: 2022-11-07. Review status: criteria provided, single submitter. Criteria: Ambry Variant Classification Scheme 2023. Collection method: clinical testing. Allele origin: germline.